The following is an entry in ClinVar:

NM_000147.5(FUCA1):c.1285_1286insT (p.Asp429fs)

Gene: FUCA1 (alpha-L-fucosidase 1; minus strand). Cytogenetic location: 1p36.11.
Variant type: Insertion.
Coding change: c.1285_1286insT on transcript NM_000147.5 (MANE Select); coding-DNA positions 1285 to 1286, T inserted.
Protein change: p.Asp429fs; shifts the reading frame from aspartic acid 429.
Molecular consequence: frameshift variant.
Genome position: GRCh38 VCF-style: chr1-23845830-T-TA. GRCh37 (hg19) VCF-style: chr1-24172320-T-TA.
Other names: short protein forms D429fs.
Identifiers: ClinVar variation 1328977 (VCV001328977.10), dbSNP rs1186488065, ClinGen allele CA521656643.
Genomic context (GRCh38, chr1:23,845,830, plus strand): 5'-GGTGGCAACTGGGGTAGAGAGATGAAGAGACCTTTATCTGGATCTGTGGACCACTTCAGA[T>TA]CTCCTTGAATTCCCAGCATTGTTATCTGCAGAAAACAAAAGGGAATGAAACAAACTGGTA-3'

ClinVar aggregate classification (germline): Pathogenic/Likely pathogenic. Review status: criteria provided, multiple submitters, no conflicts (2 of 4 stars). 3 submissions from 3 submitters: Pathogenic (2); Likely pathogenic (1). Last evaluated 2026-01-12.

Conditions:
Fucosidosis. Also called: ALPHA-L-FUCOSIDASE DEFICIENCY. Identifiers: Orphanet 349, MedGen C0016788, MONDO:0009254, OMIM 230000.

Allele frequency attached by ClinVar (database versions not stated): TOPMed 0.00003; gnomAD exomes below 0.00001.

Submissions (3):

3billion
Classification: Likely pathogenic for Fucosidosis. Last evaluated: 2026-01-12. Review status: criteria provided, single submitter. Criteria: ACMG Guidelines, 2015. Collection method: clinical testing. Allele origin: germline. Affected: yes.
Comment: The variant is observed at an extremely low frequency in the gnomAD v4.1.0 dataset (total allele frequency: <0.001%). Predicted Consequence/Location: Frameshift: predicted to result in a loss or disruption of normal protein function through protein truncation. The predicted truncated protein may be shortened by less than 10%. The variant has been reported at least twice as pathogenic with clinical assertions and evidence for the classification (ClinVar ID: VCV001328977). Therefore, this variant is classified as Likely pathogenic according to the recommendation of ACMG/AMP guideline.

Women's Health and Genetics/Laboratory Corporation of America, LabCorp
Classification: Pathogenic for Fucosidosis. Last evaluated: 2025-04-16. Review status: criteria provided, single submitter. Criteria: LabCorp Variant Classification Summary - May 2015. Collection method: clinical testing. Allele origin: germline.
Comment: Variant summary: FUCA1 c.1285_1286insT (p.Asp429ValfsX10), located in the last exon (exon 8) results in a premature termination codon, predicted to cause a truncation of the encoded protein due to escape from nonsense mediated decay (NMD). The variant allele was found at a frequency of 4e-06 in 251364 control chromosomes. To our knowledge, no occurrence of c.1285_1286insT in individuals affected with Fucosidosis and no experimental evidence demonstrating its impact on protein function have been reported. However, at-least one pathogenic variant downstream of this, namely c.1290_1299delGAAGTGGTCC (p.Lys431Glnfs*27) has been observed as a homozygous genotype in an individual affected with Fucosidosis as confirmed by lysosomal Alpha Fucosidase deficiency (PMID 36082656), thereby supporting a relevance of this region to FUCA1 protein function. ClinVar contains an entry for this variant (Variation ID: 1328977). Based on the evidence outlined above, the variant was classified as pathogenic.

Labcorp Genetics (formerly Invitae), Labcorp
Classification: Pathogenic for Fucosidosis. Last evaluated: 2024-05-06. Review status: criteria provided, single submitter. Criteria: Invitae Variant Classification Sherloc (09022015). Collection method: clinical testing. Allele origin: germline.
Comment: This sequence change creates a premature translational stop signal (p.Asp429Valfs*10) in the FUCA1 gene. While this is not anticipated to result in nonsense mediated decay, it is expected to disrupt the last 38 amino acid(s) of the FUCA1 protein. This variant is present in population databases (no rsID available, gnomAD 0.003%). This variant has not been reported in the literature in individuals affected with FUCA1-related conditions. ClinVar contains an entry for this variant (Variation ID: 1328977). This variant disrupts a region of the FUCA1 protein in which other variant(s) (p.Lys431Glnfs*27) have been determined to be pathogenic (PMID: 36082656). This suggests that this is a clinically significant region of the protein, and that variants that disrupt it are likely to be disease-causing. For these reasons, this variant has been classified as Pathogenic.

Literature cited by the submitters: PubMed 36082656 (cited by Labcorp Genetics (formerly Invitae), Labcorp).